The following is an entry in ClinVar:

NM_005850.5(SF3B4):c.863A>G (p.His288Arg)

Gene: SF3B4 (splicing factor 3b subunit 4; minus strand). Cytogenetic location: 1q21.2.
Variant type: single nucleotide variant.
Coding change: c.863A>G on transcript NM_005850.5 (MANE Select); coding-DNA position 863, A replaced by G.
Protein change: p.His288Arg; replaces histidine 288 with arginine.
Molecular consequence: missense variant.
Genome position (GRCh38, 1-based): chr1:149,925,886, T>C on the plus strand (A>G on the coding strand, the complement: SF3B4 is on the minus strand). VCF-style: chr1-149925886-T-C. GRCh37 (hg19) VCF-style: chr1-149897778-T-C.
Other names: short protein forms H288R.
Identifiers: ClinVar variation 2435885 (VCV002435885.27), dbSNP rs782151742, ClinGen allele CA1071454.

ClinVar aggregate classification (germline): Uncertain significance. Review status: criteria provided, multiple submitters, no conflicts (2 of 4 stars). 2 submissions from 2 submitters: Uncertain significance (2). Last evaluated 2022-10-01.

Conditions:
Nager syndrome (AFD1). Also called: MANDIBULOFACIAL DYSOSTOSIS, TREACHER COLLINS TYPE, WITH LIMB ANOMALIES; Nager acrofacial dysostosis; Nager acrofacial dysostosis syndrome; Acrofacial Dysostosis 1, Nager Type. Identifiers: Orphanet 245, MedGen C0265245, MONDO:0007943, OMIM 154400.

Allele frequency attached by ClinVar (database versions not stated): ExAC 0.00001; gnomAD 0.00003; gnomAD exomes 0.00003; TOPMed 0.00003.
gnomAD v4.1: 50 of 1,608,562 alleles (0.0031%); highest among the groups gnomAD compares: Non-Finnish European, 0.0042%; no homozygotes.

Submissions (2):

CeGaT Center for Human Genetics Tuebingen
Classification: Uncertain significance. Last evaluated: 2022-10-01. Review status: criteria provided, single submitter. Criteria: CeGaT Center For Human Genetics Tuebingen Variant Classification Criteria Version 2. Collection method: clinical testing. Allele origin: germline. Affected: yes. Observed: 1 variant allele.
Comment: SF3B4: PP2

Revvity Omics, Revvity
Classification: Uncertain significance for Nager syndrome. Last evaluated: 2019-10-08. Review status: criteria provided, single submitter. Criteria: ACMG Guidelines, 2015. Collection method: clinical testing. Allele origin: germline.